The following is an entry in ClinVar:

ClinVar aggregate classification (germline): Uncertain significance. Review status: criteria provided, multiple submitters, no conflicts (2 of 4 stars). 2 submissions from 2 submitters: Uncertain significance (2). Last evaluated 2025-08-04.

Allele frequency attached by ClinVar (database versions not stated): gnomAD exomes below 0.00001 and 0.00001; gnomAD 0.00001; TOPMed 0.00001.
gnomAD v4.1: 18 of 1,613,638 alleles (0.0011%); highest among the groups gnomAD compares: Non-Finnish European, 0.0014%; no homozygotes.

Submissions (2):

Labcorp Genetics (formerly Invitae), Labcorp
Classification: Uncertain significance. Last evaluated: 2025-08-04. Review status: criteria provided, single submitter. Criteria: Invitae Variant Classification Sherloc (09022015). Collection method: clinical testing. Allele origin: germline.
Comment: This sequence change replaces glycine, which is neutral and non-polar, with arginine, which is basic and polar, at codon 441 of the FOXRED1 protein (p.Gly441Arg). This variant is present in population databases (no rsID available, gnomAD 0.0009%). This variant has not been reported in the literature in individuals affected with FOXRED1-related conditions. ClinVar contains an entry for this variant (Variation ID: 1394897). Invitae Evidence Modeling of protein sequence and biophysical properties (such as structural, functional, and spatial information, amino acid conservation, physicochemical variation, residue mobility, and thermodynamic stability) has been performed for this missense variant. However, the output from this modeling did not meet the statistical confidence thresholds required to predict the impact of this variant on FOXRED1 protein function. In summary, the available evidence is currently insufficient to determine the role of this variant in disease. Therefore, it has been classified as a Variant of Uncertain Significance.

GeneDx
Classification: Uncertain significance. Last evaluated: 2023-12-08. Review status: criteria provided, single submitter. Criteria: GeneDx Variant Classification Process June 2021. Collection method: clinical testing. Allele origin: germline.
Comment: Not observed at significant frequency in large population cohorts (gnomAD); In silico analysis supports that this missense variant has a deleterious effect on protein structure/function; Has not been previously published as pathogenic or benign to our knowledge

NM_017547.4(FOXRED1):c.1321G>A (p.Gly441Arg)

Gene: FOXRED1 (FAD dependent oxidoreductase domain containing 1; plus strand). Cytogenetic location: 11q24.2.
Variant type: single nucleotide variant.
Coding change: c.1321G>A on transcript NM_017547.4 (MANE Select); coding-DNA position 1321, G replaced by A.
Protein change: p.Gly441Arg; replaces glycine 441 with arginine.
Molecular consequence: missense variant. On other transcripts: non-coding transcript variant (2).
Genome position (GRCh38, 1-based): chr11:126,277,549, G>A. VCF-style: chr11-126277549-G-A. GRCh37 (hg19) VCF-style: chr11-126147444-G-A.
Other names: c.1321G>A (NM_017547.3); short protein forms G441R.
Identifiers: ClinVar variation 1394897 (VCV001394897.7), dbSNP rs1416090738, ClinGen allele CA383231572.